The following is an entry in ClinVar:

NM_000288.4(PEX7):c.330C>G (p.His110Gln)

Gene: PEX7 (peroxisomal biogenesis factor 7; plus strand). Cytogenetic location: 6q23.3.
Variant type: single nucleotide variant.
Coding change: c.330C>G on transcript NM_000288.4 (MANE Select); coding-DNA position 330, C replaced by G.
Protein change: p.His110Gln; replaces histidine 110 with glutamine.
Molecular consequence: missense variant.
Genome position (GRCh38, 1-based): chr6:136,826,460, C>G. VCF-style: chr6-136826460-C-G. GRCh37 (hg19) VCF-style: chr6-137147598-C-G.
Other names: short protein forms H110Q.
Identifiers: ClinVar variation 1461313 (VCV001461313.5), dbSNP rs199648976, ClinGen allele CA4017552.
Genomic context (GRCh38, chr6:136,826,460, plus strand): 5'-CTCGCTGCAGCTCTGGGACACTGCCAAAGCTGCAGGGCCACTGCAAGTCTATAAAGAACA[C>G]GCTCAGGAGGTAGGAGGGAAATCTTTCTGGGCTGATTATTTTTCTTTCTTCGACTTTGGT-3'
Protein context (NP_000279.1, residues 100-120): AAGPLQVYKE[His110Gln]AQEVYSVDWS

ClinVar aggregate classification (germline): Uncertain significance (1 of 4 stars; one submission).

Conditions:
Peroxisome biogenesis disorder 9B. Also called: PEX7-Related Refsum Disease; PEROXISOME BIOGENESIS DISORDER, PEX7-RELATED, ATYPICAL; Refsum disease, adult, 2. Identifiers: Orphanet 773, MedGen C2749346, MONDO:0013945, OMIM 614879.

gnomAD v4.1: 5 of 1,613,828 alleles (0.00031%); highest among the groups gnomAD compares: Non-Finnish European, 0.00017%; no homozygotes.

Submission:

Labcorp Genetics (formerly Invitae), Labcorp
Classification: Uncertain significance for Peroxisome biogenesis disorder 9B. Last evaluated: 2021-08-31. Review status: criteria provided, single submitter. Criteria: Invitae Variant Classification Sherloc (09022015). Collection method: clinical testing. Allele origin: germline.
Comment: This sequence change replaces histidine with glutamine at codon 110 of the PEX7 protein (p.His110Gln). The histidine residue is highly conserved and there is a small physicochemical difference between histidine and glutamine. This variant is present in population databases (rs199648976, ExAC 0.004%). This variant has not been reported in the literature in individuals affected with PEX7-related conditions. Algorithms developed to predict the effect of missense changes on protein structure and function are either unavailable or do not agree on the potential impact of this missense change (SIFT: "Deleterious"; PolyPhen-2: "Probably Damaging"; Align-GVGD: "Class C15"). In summary, the available evidence is currently insufficient to determine the role of this variant in disease. Therefore, it has been classified as a Variant of Uncertain Significance.